The following is an entry in ClinVar:

ClinVar aggregate classification (germline): Uncertain significance (1 of 4 stars; one submission).

Conditions:
Hereditary cancer-predisposing syndrome. Also called: Hereditary neoplastic syndrome; Neoplastic Syndromes, Hereditary; Tumor predisposition; Hereditary Cancer Syndrome. Identifiers: Orphanet 140162, MedGen C0027672, MeSH D009386, MONDO:0015356.

Submission:

Ambry Genetics
Classification: Uncertain significance for Hereditary cancer-predisposing syndrome. Last evaluated: 2025-08-27. Review status: criteria provided, single submitter. Criteria: Ambry Variant Classification Scheme 2023. Collection method: clinical testing. Allele origin: germline.
Comment: The p.S322G variant (also known as c.964A>G), located in coding exon 11 of the MUTYH gene, results from an A to G substitution at nucleotide position 964. The serine at codon 322 is replaced by glycine, an amino acid with similar properties. This amino acid position is conserved. In addition, this alteration is predicted to be tolerated by in silico analysis. Based on the available evidence, the clinical significance of this variant remains unclear.

NM_001048174.2(MUTYH):c.880A>G (p.Ser294Gly)

Gene: MUTYH (mutY DNA glycosylase; minus strand). Cytogenetic location: 1p34.1.
Variant type: single nucleotide variant.
Coding change: c.880A>G on transcript NM_001048174.2 (MANE Select); coding-DNA position 880, A replaced by G.
Protein change: p.Ser294Gly; replaces serine 294 with glycine.
Molecular consequence: missense variant. On other transcripts: non-coding transcript variant (7).
Genome position (GRCh38, 1-based): chr1:45,332,056, T>C on the plus strand (A>G on the coding strand, the complement: MUTYH is on the minus strand). VCF-style: chr1-45332056-T-C. GRCh37 (hg19) VCF-style: chr1-45797728-T-C.
Other names: c.880A>G, p.Ser294Gly (NM_001048171.2, NM_001048173.2, NM_001293195.2 and 6 more transcripts); c.883A>G, p.Ser295Gly (NM_001048172.2, NM_001407071.1, NM_001407078.1 and 1 more transcripts); c.964A>G, p.Ser322Gly (NM_001128425.2); c.925A>G, p.Ser309Gly (NM_001293190.2); c.913A>G, p.Ser305Gly (NM_001293191.2, NM_001407069.1, NM_001407077.1); c.604A>G, p.Ser202Gly (NM_001293192.2, NM_001293196.2, NM_001407091.1); c.535A>G, p.Ser179Gly (NM_001350650.2, NM_001350651.2, NM_001407082.1); c.796A>G, p.Ser266Gly (NM_001407075.1); and 5 more; short protein forms S295G, S308G, S179G, S280G, S309G, S322G, S202G, S301G.
Identifiers: ClinVar variation 4113961 (VCV004113961.1).